The following is an entry in ClinVar:

NM_000057.4(BLM):c.2292T>G (p.Tyr764Ter)

Gene: BLM (BLM RecQ like helicase; plus strand). Cytogenetic location: 15q26.1.
Variant type: single nucleotide variant.
Coding change: c.2292T>G on transcript NM_000057.4 (MANE Select); coding-DNA position 2292, T replaced by G.
Protein change: p.Tyr764Ter; replaces tyrosine 764 with a stop codon.
Molecular consequence: nonsense.
Genome position (GRCh38, 1-based): chr15:90,767,008, T>G. VCF-style: chr15-90767008-T-G. GRCh37 (hg19) VCF-style: chr15-91310238-T-G.
Other names: c.2292T>G, p.Tyr764Ter (NM_001287246.2, NM_001287247.2); c.1167T>G, p.Tyr389Ter (NM_001287248.2); short protein forms Y389*, Y764*.
Identifiers: ClinVar variation 1072379 (VCV001072379.7), dbSNP rs2151164019, ClinGen allele CA393844976.

ClinVar aggregate classification (germline): Pathogenic (1 of 4 stars; one submission).

Conditions:
Bloom syndrome (BLM). Also called: Bloom-Torre-Machacek syndrome. Identifiers: Orphanet 125, MedGen C0005859, MONDO:0008876, OMIM 210900.

Submission:

Labcorp Genetics (formerly Invitae), Labcorp
Classification: Pathogenic for Bloom syndrome. Last evaluated: 2024-04-10. Review status: criteria provided, single submitter. Criteria: Invitae Variant Classification Sherloc (09022015). Collection method: clinical testing. Allele origin: germline.
Comment: This sequence change creates a premature translational stop signal (p.Tyr764*) in the BLM gene. It is expected to result in an absent or disrupted protein product. Loss-of-function variants in BLM are known to be pathogenic (PMID: 17407155). This variant is not present in population databases (gnomAD no frequency). This variant has not been reported in the literature in individuals affected with BLM-related conditions. ClinVar contains an entry for this variant (Variation ID: 1072379). For these reasons, this variant has been classified as Pathogenic.

Literature cited by the submitters: PubMed 17407155.